The following is an entry in ClinVar:

ClinVar aggregate classification (germline): Uncertain significance (1 of 4 stars; one submission).

Conditions:
Fanconi anemia complementation group I (FANCI). Also called: FANCI-Related Fanconi Anemia. Identifiers: Orphanet 84, MedGen C1836861, MONDO:0012186, OMIM 609053.

gnomAD v4.1: 1 of 1,612,650 alleles (0.000062%); highest among the groups gnomAD compares: South Asian, 0.0011%; no homozygotes.

Submission:

Juno Genomics, Hangzhou Juno Genomics, Inc
Classification: Uncertain significance for Fanconi anemia complementation group I. Review status: criteria provided, single submitter. Criteria: ACMG Guidelines, 2015. Collection method: clinical testing. Allele origin: germline.
Comment: Null variant in a gene where loss of function (LOF) is a known mechanism of disease.;Absent from controls (or at extremely low frequency if recessive) in Genome Aggregation Database.

NM_001113378.2(FANCI):c.3721-1G>A

Gene: FANCI (FA complementation group I; plus strand). Cytogenetic location: 15q26.1.
Variant type: single nucleotide variant.
Coding change: c.3721-1G>A on transcript NM_001113378.2 (MANE Select); the canonical splice acceptor site of the intron before coding-DNA position 3721, G replaced by A.
Molecular consequence: splice acceptor variant.
Genome position (GRCh38, 1-based): chr15:89,314,611, G>A. VCF-style: chr15-89314611-G-A. GRCh37 (hg19) VCF-style: chr15-89857842-G-A.
Other names: c.3541-1G>A (NM_018193.3); c.3721-1G>A (NM_001376911.1); c.3442-1G>A (NM_001376910.1).
Identifiers: ClinVar variation 5005474 (VCV005005474.2).